The following is an entry in ClinVar:

NM_001042492.3(NF1):c.1392G>A (p.Pro464=)

Gene: NF1 (neurofibromin 1; plus strand). Cytogenetic location: 17q11.2.
Variant type: single nucleotide variant.
Coding change: c.1392G>A on transcript NM_001042492.3 (MANE Select); coding-DNA position 1392, G replaced by A.
Protein change: p.Pro464=; no amino-acid change (proline 464 retained).
Molecular consequence: synonymous variant.
Genome position (GRCh38, 1-based): chr17:31,206,371, G>A. VCF-style: chr17-31206371-G-A. GRCh37 (hg19) VCF-style: chr17-29533389-G-A.
Other names: c.1392G>A, p.Pro464= (NM_000267.4, NM_001128147.3).
Identifiers: ClinVar variation 186095 (VCV000186095.19), dbSNP rs201604273, ClinGen allele CA193852.
Genomic context (GRCh38, chr17:31,206,371, plus strand): 5'-TGAAACACTTCATAAAGCAGTGCAAGGTTGTGGAGCACACCCAGCAATACGAATGGCACC[G>A]GTAAGATAAATCACGAATTTTGAATCTCACCTCCTTTCTATTGCATTTTTTTTAGTGTCT-3'
Protein context (NP_001035957.1, residues 454-474): CGAHPAIRMA[Pro464=]SLTFKEKVTS

ClinVar aggregate classification (germline): Conflicting classifications of pathogenicity. Review status: criteria provided, conflicting classifications (1 of 4 stars). 7 submissions from 6 submitters: Uncertain significance (4); Likely benign (3). Last evaluated 2025-12-03.

Conditions:
Hereditary cancer-predisposing syndrome. Also called: Hereditary Cancer Syndrome; Neoplastic Syndromes, Hereditary; Tumor predisposition; Hereditary neoplastic syndrome. Identifiers: Orphanet 140162, MedGen C0027672, MeSH D009386, MONDO:0015356.
Cardiovascular phenotype. Identifiers: MedGen CN230736.
Juvenile myelomonocytic leukemia (JMML). Also called: LEUKEMIA, JUVENILE MYELOMONOCYTIC, SOMATIC. Identifiers: Orphanet 86834, MedGen C0349639, MONDO:0011908, OMIM 607785, HP:0012209.
Café-au-lait macules with pulmonary stenosis (WTSN). Also called: PULMONIC STENOSIS WITH CAFE-AU-LAIT SPOTS. Identifiers: MedGen C0553586, MONDO:0008672, OMIM 193520.
Neurofibromatosis, type 1 (NF1). Also called: NEUROFIBROMATOSIS, TYPE I, SOMATIC; VON RECKLINGHAUSEN DISEASE; Peripheral type neurofibromatosis; Neurofibromatosis, type I. Identifiers: Orphanet 636, MedGen C0027831, MONDO:0018975, OMIM 162200. Disease mechanism: loss of function.
Neurofibromatosis-Noonan syndrome (NFNS). Also called: NEUROFIBROMATOSIS WITH NOONAN PHENOTYPE. Identifiers: Orphanet 638, MedGen C2931482, MONDO:0011035, OMIM 601321. Disease mechanism: loss of function.
Neurofibromatosis, familial spinal (FSNF). Identifiers: Orphanet 636, MedGen C1834235, MONDO:0008078, OMIM 162210. Disease mechanism: loss of function.

Allele frequency attached by ClinVar (database versions not stated): gnomAD 0.00001; gnomAD exomes 0.00001; ExAC 0.00002; TOPMed 0.00002; ESP Exome Variant Server 0.00008; 1000 Genomes Project 30x 0.00016; 1000 Genomes Project 0.00020.

Submissions (7):

Labcorp Genetics (formerly Invitae), Labcorp
Classification: Likely benign for Neurofibromatosis, type 1. Last evaluated: 2025-12-03. Review status: criteria provided, single submitter. Criteria: Invitae Variant Classification Sherloc (09022015). Collection method: clinical testing. Allele origin: germline.

Quest Diagnostics Nichols Institute San Juan Capistrano
Classification: Uncertain significance. Last evaluated: 2025-07-29. Review status: criteria provided, single submitter. Criteria: Quest Diagnostics criteria. Collection method: clinical testing. Allele origin: unknown.

GeneDx
Classification: Uncertain significance. Last evaluated: 2024-07-02. Review status: criteria provided, single submitter. Criteria: GeneDx Variant Classification Process June 2021. Collection method: clinical testing. Allele origin: germline. Affected: yes.
Comment: Has not been previously published as pathogenic or benign to our knowledge; In silico analysis supports that this variant does not alter splicing; This variant is associated with the following publications: (PMID: 21520333, 26956871, 29121415, 24296828)

Fulgent Genetics
Classification: Likely benign for Neurofibromatosis, type 1; Neurofibromatosis, familial spinal; Café-au-lait macules with pulmonary stenosis; Neurofibromatosis-Noonan syndrome; Juvenile myelomonocytic leukemia. Last evaluated: 2024-06-11. Review status: criteria provided, single submitter. Criteria: ACMG Guidelines, 2015. Collection method: clinical testing. Allele origin: germline.

Genome-Nilou Lab
Classification: Uncertain significance for Neurofibromatosis, type 1. Last evaluated: 2022-03-15. Review status: criteria provided, single submitter. Criteria: ACMG Guidelines, 2015. Collection method: clinical testing. Allele origin: germline. Affected: no.

Ambry Genetics
Classification: Likely benign for Cardiovascular phenotype; Hereditary cancer-predisposing syndrome. Last evaluated: 2021-09-22. Review status: criteria provided, single submitter. Criteria: Ambry Variant Classification Scheme 2023. Collection method: clinical testing. Allele origin: germline.

Ambry Genetics
Classification: Uncertain significance for Hereditary cancer-predisposing syndrome. Last evaluated: 2015-11-20. Review status: criteria provided, single submitter. Criteria: Ambry Autosomal Dominant and X-Linked criteria (10/2015). Collection method: clinical testing. Allele origin: germline. Observed: 1 variant allele.
Comment: The c.1392G>A variant (also known as p.P464P) is located in coding exon 12 of the NF1 gene. This variant results from a G to A substitution at nucleotide position 1392. This nucleotide substitution does not change codon 464. However, this change occurs in the last base pair of exon 12 which makes it likely to have some effect on normal mRNA splicing. This variant was previously reported in the SNPDatabase as rs201604273. Based on data from the 1000 Genomes Project, the A allele has an overall frequency of approximately 0.05% (1/2098) total alleles studied. The highest observed frequency was 0.56% (1/178) Japanese alleles. Based on data from the NHLBI Exome Sequencing Project (ESP), the A allele has an overall frequency of approximately 0.01% (1/13006) total alleles studied, having been observed in 0.02% (1/4406) African American alleles.<span style="background-color:initial">To date, this alteration has been detected with an allele frequency of approximately 0.003% (greater than 110000 alleles tested) in our clinical cohort. <span style="background-color:initial">This nucleotide position is not well conserved in available vertebrate species, and A is the frequent alternate allele. Using the BDGP and ESEfinder splice site prediction tools, this alteration is predicted to weaken the efficiency of the native donor splice site; however, direct evidence is unavailable. <span style="background-color:initial">Since supporting evidence is limited at this time, the clinical significance of<span style="background-color:initial">c.1392G>A<span style="background-color:initial">remains unclear.